The following is an entry in ClinVar:

ClinVar aggregate classification (germline): Benign/Likely benign. Review status: criteria provided, multiple submitters, no conflicts (2 of 4 stars). 3 submissions from 3 submitters: Benign (2); Likely benign (1). Last evaluated 2025-10-15.

Conditions:
FOXC2-related disorder. Also called: FOXC2-related condition.

Allele frequency attached by ClinVar (database versions not stated): gnomAD 0.00001 and 0.00037; TOPMed 0.00007; gnomAD exomes 0.00141; ExAC 0.00246; 1000 Genomes Project 30x 0.00265; 1000 Genomes Project 0.00280.

Submissions (3):

Labcorp Genetics (formerly Invitae), Labcorp
Classification: Benign. Last evaluated: 2025-10-15. Review status: criteria provided, single submitter. Criteria: Invitae Variant Classification Sherloc (09022015). Collection method: clinical testing. Allele origin: germline.

PreventionGenetics, part of Exact Sciences
Classification: Likely benign for FOXC2-related condition. Last evaluated: 2024-11-21. Review status: criteria provided, single submitter. Criteria: ACMG Guidelines, 2015. Collection method: clinical testing. Allele origin: germline.
Comment: This variant is classified as likely benign based on ACMG/AMP sequence variant interpretation guidelines (Richards et al. 2015 PMID: 25741868, with internal and published modifications).

ARUP Laboratories, Molecular Genetics and Genomics, ARUP Laboratories
Classification: Benign. Last evaluated: 2019-10-30. Review status: criteria provided, single submitter. Criteria: ARUP Molecular Germline Variant Investigation Process. Collection method: clinical testing. Allele origin: germline.

NM_005251.3(FOXC2):c.624G>A (p.Glu208=)

Gene: FOXC2 (forkhead box C2; plus strand). Cytogenetic location: 16q24.1.
Variant type: single nucleotide variant.
Coding change: c.624G>A on transcript NM_005251.3 (MANE Select); coding-DNA position 624, G replaced by A.
Protein change: p.Glu208=; no amino-acid change (glutamic acid 208 retained).
Molecular consequence: synonymous variant.
Genome position (GRCh38, 1-based): chr16:86,567,959, G>A. VCF-style: chr16-86567959-G-A. GRCh37 (hg19) VCF-style: chr16-86601565-G-A.
Other names: c.624G>A (NM_005251.2).
Identifiers: ClinVar variation 993869 (VCV000993869.11), dbSNP rs372749779, ClinGen allele CA8218378.